The following is an entry in ClinVar:

ClinVar aggregate classification (germline): Uncertain significance. Review status: criteria provided, multiple submitters, no conflicts (2 of 4 stars). 5 submissions from 4 submitters: Uncertain significance (3). 2 of the submissions do not count toward it. Last evaluated 2025-10-08.

Conditions:
Charcot-Marie-Tooth disease. Also called: Charcot-Marie-Tooth Neuropathy; Charcot-Marie-Tooth Hereditary Neuropathy. Identifiers: Orphanet 166, MedGen C0007959, MONDO:0015626.
Charcot-Marie-Tooth disease type 4. Also called: Charcot-Marie-Tooth, Type 4; Charcot-Marie-Tooth disease, type IV. Identifiers: Orphanet 64749, MedGen C4082197, MONDO:0018995.
Charcot-Marie-Tooth disease type 4F. Also called: Charcot-Marie-Tooth disease, demyelinating, type 4F. Identifiers: Orphanet 99952, MedGen C3540453, MONDO:0013959, OMIM 614895.

Allele frequency attached by ClinVar (database versions not stated): TOPMed 0.00001; ESP Exome Variant Server 0.00015.
gnomAD v4.1: 30 of 1,607,548 alleles (0.0019%); highest among the groups gnomAD compares: Admixed American, 0.005%; no homozygotes.

Submissions (5):

Labcorp Genetics (formerly Invitae), Labcorp
Classification: Uncertain significance for Charcot-Marie-Tooth disease type 4. Last evaluated: 2025-10-08. Review status: criteria provided, single submitter. Criteria: Invitae Variant Classification Sherloc (09022015). Collection method: clinical testing. Allele origin: germline.
Comment: This sequence change replaces glycine, which is neutral and non-polar, with aspartic acid, which is acidic and polar, at codon 1241 of the PRX protein (p.Gly1241Asp). This variant is present in population databases (rs139120811, gnomAD 0.006%). This variant has not been reported in the literature in individuals affected with PRX-related conditions. ClinVar contains an entry for this variant (Variation ID: 586381). Invitae Evidence Modeling of protein sequence and biophysical properties (such as structural, functional, and spatial information, amino acid conservation, physicochemical variation, residue mobility, and thermodynamic stability) indicates that this missense variant is not expected to disrupt PRX protein function with a negative predictive value of 80%. In summary, the available evidence is currently insufficient to determine the role of this variant in disease. Therefore, it has been classified as a Variant of Uncertain Significance.

Centre for Mendelian Genomics, University Medical Centre Ljubljana
Classification: Uncertain significance for Charcot-Marie-Tooth disease type 4F. Last evaluated: 2018-11-05. Review status: criteria provided, single submitter. Criteria: ACMG Guidelines, 2015. Collection method: clinical testing. Allele origin: unknown. Affected: yes.
Comment: This variant was classified as: Uncertain significance. The available evidence on this variant's pathogenicity is insufficient or conflicting. The following ACMG criteria were applied in classifying this variant: PM2,PP3,BP1.

Athena Diagnostics
Classification: Uncertain significance. Last evaluated: 2018-07-25. Review status: criteria provided, single submitter. Criteria: Athena Diagnostics Criteria. Collection method: clinical testing. Allele origin: germline.

Genesis Genome Database
Classification: Uncertain significance for Charcot-Marie-Tooth disease. Last evaluated: 2019-08-14. Review status: no assertion criteria provided. Collection method: research. Allele origin: germline. Affected: yes. Not counted in ClinVar's aggregate classification.

Genesis Genome Database
Classification: Uncertain significance for Charcot-Marie-Tooth disease type 4. Last evaluated: 2019-08-14. Review status: no assertion criteria provided. Collection method: research. Allele origin: germline. Affected: yes. Not counted in ClinVar's aggregate classification.

NM_181882.3(PRX):c.3722G>A (p.Gly1241Asp)

Gene: PRX (periaxin; minus strand). Cytogenetic location: 19q13.2.
Variant type: single nucleotide variant.
Coding change: c.3722G>A on transcript NM_181882.3 (MANE Select); coding-DNA position 3722, G replaced by A.
Protein change: p.Gly1241Asp; replaces glycine 1241 with aspartic acid.
Molecular consequence: missense variant. On other transcripts: 3 prime UTR variant (1).
Genome position (GRCh38, 1-based): chr19:40,394,630, C>T on the plus strand (G>A on the coding strand, the complement: PRX is on the minus strand). VCF-style: chr19-40394630-C-T. GRCh37 (hg19) VCF-style: chr19-40900537-C-T.
Other names: c.*3927G>A (NM_020956.2); short protein forms G1241D.
Identifiers: ClinVar variation 586381 (VCV000586381.12), dbSNP rs139120811, ClinGen allele CA9443798.
Genomic context (GRCh38, chr19:40,394,630, plus strand): 5'-GCACCCTCGCCCCCCACCCTAGCTCTGGCCCCCAGTGTGGGCAACTTCAGCCTCAGCCCA[C>T]CCTCGCCTGTGGCCGCCTCGCCCGCCTGTGCCTCTCGGCTTAGCCCCACGTCCAGCTCAA-3'
Protein context (NP_870998.2, residues 1231-1251): AQAGEAATGE[Gly1241Asp]GLRLKLPTLG